The following is an entry in ClinVar:

NM_004415.4(DSP):c.688G>T (p.Asp230Tyr)

Gene: DSP (desmoplakin; plus strand). Cytogenetic location: 6p24.3.
Variant type: single nucleotide variant.
Coding change: c.688G>T on transcript NM_004415.4 (MANE Select); coding-DNA position 688, G replaced by T.
Protein change: p.Asp230Tyr; replaces aspartic acid 230 with tyrosine.
Molecular consequence: missense variant.
Genome position (GRCh38, 1-based): chr6:7,562,742, G>T. VCF-style: chr6-7562742-G-T. GRCh37 (hg19) VCF-style: chr6-7562975-G-T.
Other names: c.688G>T, p.Asp230Tyr (NM_001008844.3, NM_001319034.2, NM_001406591.1); short protein forms D230Y.
Identifiers: ClinVar variation 1756001 (VCV001756001.4), dbSNP rs147315869, ClinGen allele CA362673553.

ClinVar aggregate classification (germline): Uncertain significance. Review status: criteria provided, multiple submitters, no conflicts (2 of 4 stars). 2 submissions from 2 submitters: Uncertain significance (2). Last evaluated 2024-04-09.

Conditions:
Arrhythmogenic cardiomyopathy with wooly hair and keratoderma. Also called: PALMOPLANTAR KERATODERMA WITH LEFT VENTRICULAR CARDIOMYOPATHY AND WOOLLY HAIR; Carvajal syndrome; Dilated cardiomyopathy with woolly hair and keratoderma; Arrhythmogenic cardiomyopathy with woolly hair and keratoderma. Identifiers: Orphanet 65282, MedGen C1854063, MONDO:0011581, OMIM 605676.
Arrhythmogenic right ventricular dysplasia 8 (ARVD8). Also called: Arrhythmogenic Right Ventricular Dysplasia/Cardiomyopathy 8; ARRHYTHMOGENIC RIGHT VENTRICULAR DYSPLASIA, FAMILIAL, 8; ARRHYTHMOGENIC RIGHT VENTRICULAR CARDIOMYOPATHY 8. Identifiers: MedGen C1843896, MONDO:0011831, OMIM 607450.
Cardiovascular phenotype. Identifiers: MedGen CN230736.

gnomAD v4.1: 1 of 1,614,150 alleles (0.000062%); highest among the groups gnomAD compares: Admixed American, 0.0017%; no homozygotes.

Submissions (2):

Labcorp Genetics (formerly Invitae), Labcorp
Classification: Uncertain significance for Arrhythmogenic cardiomyopathy with wooly hair and keratoderma; Arrhythmogenic right ventricular dysplasia 8. Last evaluated: 2024-04-09. Review status: criteria provided, single submitter. Criteria: Invitae Variant Classification Sherloc (09022015). Collection method: clinical testing. Allele origin: germline.
Comment: This sequence change replaces aspartic acid, which is acidic and polar, with tyrosine, which is neutral and polar, at codon 230 of the DSP protein (p.Asp230Tyr). This variant is not present in population databases (gnomAD no frequency). This variant has not been reported in the literature in individuals affected with DSP-related conditions. ClinVar contains an entry for this variant (Variation ID: 1756001). An algorithm developed to predict the effect of missense changes on protein structure and function (PolyPhen-2) suggests that this variant is likely to be disruptive. In summary, the available evidence is currently insufficient to determine the role of this variant in disease. Therefore, it has been classified as a Variant of Uncertain Significance.

Ambry Genetics
Classification: Uncertain significance for Cardiovascular phenotype. Last evaluated: 2020-03-19. Review status: criteria provided, single submitter. Criteria: Ambry Variant Classification Scheme 2023. Collection method: clinical testing. Allele origin: germline.
Comment: The p.D230Y variant (also known as c.688G>T), located in coding exon 5 of the DSP gene, results from a G to T substitution at nucleotide position 688. The aspartic acid at codon 230 is replaced by tyrosine, an amino acid with highly dissimilar properties. This amino acid position is well conserved in available vertebrate species. In addition, this alteration is predicted to be deleterious by in silico analysis. Since supporting evidence is limited at this time, the clinical significance of this alteration remains unclear.